The following is an entry in ClinVar:

ClinVar aggregate classification (germline): Benign/Likely benign. Review status: criteria provided, multiple submitters, no conflicts (2 of 4 stars). 6 submissions from 6 submitters: Benign (4); Likely benign (2). Last evaluated 2026-04-23.

Conditions:
Colorectal cancer, susceptibility to, 1. Also called: COLORECTAL ADENOMA AND CANCER, SUSCEPTIBILITY TO; COLORECTAL CANCER, SUSCEPTIBILITY TO, ON CHROMOSOME 9. Identifiers: MedGen C1837315, MONDO:0012132, OMIM 608812.

Allele frequency attached by ClinVar (database versions not stated): gnomAD exomes 0.00158 and 0.00049; ESP Exome Variant Server 0.00584; ExAC 0.00194; 1000 Genomes Project 0.00759; gnomAD 0.00634 and 0.00592; TOPMed 0.00646; 1000 Genomes Project 30x 0.00843.
gnomAD v4.1: 1,677 of 1,614,040 alleles (0.1%); highest among the groups gnomAD compares: African/African-American, 1.9%; 13 homozygotes.

Submissions (6):

Myriad Genetics, Inc.
Classification: Benign for Colorectal cancer, susceptibility to, 1. Last evaluated: 2026-04-23. Review status: criteria provided, single submitter. Criteria: Myriad Autosomal Dominant, Autosomal Recessive and X-Linked Classification Criteria (2023). Collection method: clinical testing. Allele origin: unknown.
Comment: This variant is considered benign. This variant is a silent/synonymous amino acid change and it is not expected to impact splicing.

Labcorp Genetics (formerly Invitae), Labcorp
Classification: Benign. Last evaluated: 2026-01-22. Review status: criteria provided, single submitter. Criteria: Invitae Variant Classification Sherloc (09022015). Collection method: clinical testing. Allele origin: germline.

Quest Diagnostics Nichols Institute San Juan Capistrano
Classification: Benign. Last evaluated: 2025-06-18. Review status: criteria provided, single submitter. Criteria: Quest Diagnostics criteria. Collection method: clinical testing. Allele origin: unknown.

Department of Pathology and Laboratory Medicine, Sinai Health System
Classification: Benign for Colorectal cancer, susceptibility to, 1. Last evaluated: 2022-09-13. Review status: criteria provided, single submitter. Criteria: ACMG Guidelines, 2015. Collection method: clinical testing. Allele origin: germline. Affected: yes.

GeneDx
Classification: Likely benign. Last evaluated: 2021-04-19. Review status: criteria provided, single submitter. Criteria: GeneDx Variant Classification Process June 2021. Collection method: clinical testing. Allele origin: germline. Affected: yes.

Ambry Genetics
Classification: Likely benign. Last evaluated: 2016-08-29. Review status: criteria provided, single submitter. Criteria: Ambry Variant Classification Scheme 2023. Collection method: clinical testing. Allele origin: germline.

NM_024642.5(GALNT12):c.375C>T (p.Cys125=)

Gene: GALNT12 (polypeptide N-acetylgalactosaminyltransferase 12; plus strand). Cytogenetic location: 9q22.33.
Variant type: single nucleotide variant.
Coding change: c.375C>T on transcript NM_024642.5 (MANE Select); coding-DNA position 375, C replaced by T.
Protein change: p.Cys125=; no amino-acid change (cysteine 125 retained).
Molecular consequence: synonymous variant.
Genome position (GRCh38, 1-based): chr9:98,823,259, C>T. VCF-style: chr9-98823259-C-T. GRCh37 (hg19) VCF-style: chr9-101585541-C-T.
Identifiers: ClinVar variation 241513 (VCV000241513.22), dbSNP rs114902755, ClinGen allele CA5153934.